The following is an entry in ClinVar:

ClinVar aggregate classification (germline): Uncertain significance (1 of 4 stars; one submission).

Submission:

GeneDx
Classification: Uncertain significance. Last evaluated: 2024-09-03. Review status: criteria provided, single submitter. Criteria: GeneDx Variant Classification Process June 2021. Collection method: clinical testing. Allele origin: germline. Affected: yes.
Comment: Not observed at significant frequency in large population cohorts (gnomAD); In silico analysis supports that this missense variant has a deleterious effect on protein structure/function; Has not been previously published as pathogenic or benign to our knowledge

NM_032217.5(ANKRD17):c.3211C>G (p.Pro1071Ala)

Gene: ANKRD17 (ankyrin repeat domain 17; minus strand). Cytogenetic location: 4q13.3.
Variant type: single nucleotide variant.
Coding change: c.3211C>G on transcript NM_032217.5 (MANE Select); coding-DNA position 3211, C replaced by G.
Protein change: p.Pro1071Ala; replaces proline 1071 with alanine.
Molecular consequence: missense variant.
Genome position (GRCh38, 1-based): chr4:73,135,140, G>C on the plus strand (C>G on the coding strand, the complement: ANKRD17 is on the minus strand). VCF-style: chr4-73135140-G-C. GRCh37 (hg19) VCF-style: chr4-74000857-G-C.
Other names: c.2872C>G, p.Pro958Ala (NM_001286771.3); c.3208C>G, p.Pro1070Ala (NM_015574.2); c.2458C>G, p.Pro820Ala (NM_198889.3); short protein forms P1070A, P1071A, P820A, P958A.
Identifiers: ClinVar variation 3766269 (VCV003766269.1).
Genomic context (GRCh38, chr4:73,135,140, plus strand): 5'-CAATGAAAAAACCATCTCTCTTAAGTTTGGGACTTACCTGTGCATCAATATCAATGGCAG[G>C]GTAGATAGGAAGCATGGCTGAAGGAGAGATGATAGGACTTGGAGTTGGAGTCTGAGGTTG-3'
Protein context (NP_115593.3, residues 1061-1081): ISPSAMLPIY[Pro1071Ala]AIDIDAQTES